The following is an entry in ClinVar:

NM_020921.4(NIN):c.1671G>C (p.Glu557Asp)

Gene: NIN (ninein; minus strand). Cytogenetic location: 14q22.1.
Variant type: single nucleotide variant.
Coding change: c.1671G>C on transcript NM_020921.4 (MANE Select); coding-DNA position 1671, G replaced by C.
Protein change: p.Glu557Asp; replaces glutamic acid 557 with aspartic acid.
Molecular consequence: missense variant.
Genome position (GRCh38, 1-based): chr14:50,763,929, C>G on the plus strand (G>C on the coding strand, the complement: NIN is on the minus strand). VCF-style: chr14-50763929-C-G. GRCh37 (hg19) VCF-style: chr14-51230647-C-G.
Other names: c.1671G>C, p.Glu557Asp (NM_016350.5, NM_182944.3, NM_182946.2); short protein forms E557D.
Identifiers: ClinVar variation 1947708 (VCV001947708.5), dbSNP rs748080540, ClinGen allele CA7182122.

ClinVar aggregate classification (germline): Uncertain significance (1 of 4 stars; one submission).

Allele frequency attached by ClinVar (database versions not stated): gnomAD 0.00001; TOPMed 0.00001; ExAC 0.00003; gnomAD exomes 0.00003.
gnomAD v4.1: 45 of 1,613,990 alleles (0.0028%); highest among the groups gnomAD compares: Non-Finnish European, 0.0036%; no homozygotes.

Submission:

Labcorp Genetics (formerly Invitae), Labcorp
Classification: Uncertain significance. Last evaluated: 2025-08-18. Review status: criteria provided, single submitter. Criteria: Invitae Variant Classification Sherloc (09022015). Collection method: clinical testing. Allele origin: germline.
Comment: This sequence change replaces glutamic acid, which is acidic and polar, with aspartic acid, which is acidic and polar, at codon 557 of the NIN protein (p.Glu557Asp). This variant is present in population databases (rs748080540, gnomAD 0.006%). This variant has not been reported in the literature in individuals affected with NIN-related conditions. ClinVar contains an entry for this variant (Variation ID: 1947708). An algorithm developed to predict the effect of missense changes on protein structure and function (PolyPhen-2) suggests that this variant is likely to be disruptive. In summary, the available evidence is currently insufficient to determine the role of this variant in disease. Therefore, it has been classified as a Variant of Uncertain Significance.